The following is an entry in ClinVar:

ClinVar aggregate classification (germline): Uncertain significance (1 of 4 stars; one submission).

gnomAD v4.1: 2 of 1,612,770 alleles (0.00012%); highest among the groups gnomAD compares: African/African-American, 0.0013%; no homozygotes.

Submission:

GeneDx
Classification: Uncertain significance. Last evaluated: 2024-03-07. Review status: criteria provided, single submitter. Criteria: GeneDx Variant Classification Process June 2021. Collection method: clinical testing. Allele origin: germline. Affected: yes.
Comment: Not observed at significant frequency in large population cohorts (gnomAD); In silico analysis supports that this missense variant does not alter protein structure/function; Has not been previously published as pathogenic or benign to our knowledge

NM_006662.3(SRCAP):c.9478C>T (p.Pro3160Ser)

Gene: SRCAP (Snf2 related CREBBP activator protein; plus strand). Cytogenetic location: 16p11.2.
Variant type: single nucleotide variant.
Coding change: c.9478C>T on transcript NM_006662.3 (MANE Select); coding-DNA position 9478, C replaced by T.
Protein change: p.Pro3160Ser; replaces proline 3160 with serine.
Molecular consequence: missense variant.
Genome position (GRCh38, 1-based): chr16:30,739,518, C>T. VCF-style: chr16-30739518-C-T. GRCh37 (hg19) VCF-style: chr16-30750839-C-T.
Other names: short protein forms P3160S.
Identifiers: ClinVar variation 3370699 (VCV003370699.1).
Genomic context (GRCh38, chr16:30,739,518, plus strand): 5'-CGAGCAGGGGCCCCAGTTGGTGGGAGTCCTGGGCTGGCAAAGCGGGGCCGCCTACAGCCC[C>T]CAAGTCCCCTGGGGCCTGAGGGTTCAGTAGAGGAGTCTGAGGCTGAAGCCTCAGGTGAGG-3'
Protein context (NP_006653.2, residues 3150-3170): GLAKRGRLQP[Pro3160Ser]SPLGPEGSVE